The following is an entry in ClinVar:

ClinVar aggregate classification (germline): Likely benign. Review status: criteria provided, multiple submitters, no conflicts (2 of 4 stars). 2 submissions from 2 submitters: Likely benign (2). Last evaluated 2025-12-02.

Conditions:
LONP1-related disorder. Also called: LONP1-related disorders; LONP1-related condition.

Allele frequency attached by ClinVar (database versions not stated): gnomAD 0.00001; gnomAD exomes 0.00001; ExAC 0.00002; TOPMed 0.00002.
gnomAD v4.1: 11 of 1,611,138 alleles (0.00068%); highest among the groups gnomAD compares: Middle Eastern, 0.016%; no homozygotes.

Submissions (2):

Labcorp Genetics (formerly Invitae), Labcorp
Classification: Likely benign. Last evaluated: 2025-12-02. Review status: criteria provided, single submitter. Criteria: Invitae Variant Classification Sherloc (09022015). Collection method: clinical testing. Allele origin: germline.

PreventionGenetics, part of Exact Sciences
Classification: Likely benign for LONP1-related condition. Last evaluated: 2025-02-01. Review status: criteria provided, single submitter. Criteria: ACMG Guidelines, 2015. Collection method: clinical testing. Allele origin: germline.
Comment: This variant is classified as likely benign based on ACMG/AMP sequence variant interpretation guidelines (Richards et al. 2015 PMID: 25741868, with internal and published modifications).

NM_004793.4(LONP1):c.840C>T (p.His280=)

Gene: LONP1 (lon peptidase 1, mitochondrial; minus strand). Cytogenetic location: 19p13.3.
Variant type: single nucleotide variant.
Coding change: c.840C>T on transcript NM_004793.4 (MANE Select); coding-DNA position 840, C replaced by T.
Protein change: p.His280=; no amino-acid change (histidine 280 retained).
Molecular consequence: synonymous variant. On other transcripts: non-coding transcript variant (1).
Genome position (GRCh38, 1-based): chr19:5,711,801, G>A on the plus strand (C>T on the coding strand, the complement: LONP1 is on the minus strand). VCF-style: chr19-5711801-G-A. GRCh37 (hg19) VCF-style: chr19-5711812-G-A.
Other names: c.648C>T, p.His216= (NM_001276479.2); c.252C>T, p.His84= (NM_001276480.1); c.840C>T (NM_004793.3).
Identifiers: ClinVar variation 2188889 (VCV002188889.5), dbSNP rs771880757, ClinGen allele CA9114956.